The following is an entry in ClinVar:

ClinVar aggregate classification (germline): Benign (1 of 4 stars; one submission).

Conditions:
Hereditary spastic paraplegia 6 (SPG6). Also called: SPASTIC PARAPLEGIA 6, AUTOSOMAL DOMINANT. Identifiers: Orphanet 100988, MedGen C1838192, MONDO:0010878, OMIM 600363.

Allele frequency attached by ClinVar (database versions not stated): TOPMed 0.00548; 1000 Genomes Project 30x 0.00609; 1000 Genomes Project 0.00619; gnomAD 0.00489 and 0.00528.

Submission:

Illumina Laboratory Services, Illumina
Classification: Benign for Hereditary spastic paraplegia 6. Last evaluated: 2018-01-12. Review status: criteria provided, single submitter. Criteria: ICSL Variant Classification Criteria 13 December 2019. Collection method: clinical testing. Allele origin: germline.
Comment: This variant was observed in the ICSL laboratory as part of a predisposition screen in an ostensibly healthy population. It had not been previously curated by ICSL or reported in the Human Gene Mutation Database (HGMD: prior to June 1st, 2018), and was therefore a candidate for classification through an automated scoring system. Utilizing variant allele frequency, disease prevalence and penetrance estimates, and inheritance mode, an automated score was calculated to assess if this variant is too frequent to cause the disease. Based on the score and internal cut-off values, a variant classified as benign is not then subjected to further curation. The score for this variant resulted in a classification of benign for this disease.

NM_144599.5(NIPA1):c.*3910G>A

Gene: NIPA1 (NIPA magnesium transporter 1; plus strand). Cytogenetic location: 15q11.2.
Variant type: single nucleotide variant.
Coding change: c.*3910G>A on transcript NM_144599.5 (MANE Select); 3910 bases downstream of the stop codon, G replaced by A.
Molecular consequence: 3 prime UTR variant.
Genome position (GRCh38, 1-based): chr15:22,828,149, G>A. VCF-style: chr15-22828149-G-A. GRCh37 (hg19) VCF-style: chr15-23044919-C-T.
Other names: c.*3910G>A (NM_001142275.1).
Identifiers: ClinVar variation 315352 (VCV000315352.5), dbSNP rs74767096, ClinGen allele CA10646712.
Genomic context (GRCh38, chr15:22,828,149, plus strand): 5'-TGTTCTGAAGTTGTTCTTTTCATGGTGTCTGACACCGAGGGCGTTGTTCGTCCATCAGGC[G>A]GGATTGGATGGAGTCTTGGTGTTTTGCCTTCTCAGGGACCAAAAATGTATCATTGACTCC-3'